The following is an entry in ClinVar:

ClinVar aggregate classification (germline): Uncertain significance. Review status: criteria provided, multiple submitters, no conflicts (2 of 4 stars). 2 submissions from 2 submitters: Uncertain significance (2). Last evaluated 2025-10-01.

gnomAD v4.1: 1 of 1,211,334 alleles (0.000083%); no homozygotes.

Submissions (2):

Labcorp Genetics (formerly Invitae), Labcorp
Classification: Uncertain significance. Last evaluated: 2025-10-01. Review status: criteria provided, single submitter. Criteria: Invitae Variant Classification Sherloc (09022015). Collection method: clinical testing. Allele origin: germline.
Comment: This sequence change replaces proline, which is neutral and non-polar, with serine, which is neutral and polar, at codon 1129 of the COL4A6 protein (p.Pro1129Ser). This variant is present in population databases (rs768667670, gnomAD 0.008%). This variant has not been reported in the literature in individuals affected with COL4A6-related conditions. ClinVar contains an entry for this variant (Variation ID: 3693840). Invitae Evidence Modeling of protein sequence and biophysical properties (such as structural, functional, and spatial information, amino acid conservation, physicochemical variation, residue mobility, and thermodynamic stability) indicates that this missense variant is not expected to disrupt COL4A6 protein function with a negative predictive value of 80%. In summary, the available evidence is currently insufficient to determine the role of this variant in disease. Therefore, it has been classified as a Variant of Uncertain Significance.

Blueprint Genetics
Classification: Uncertain significance. Last evaluated: 2019-06-05. Review status: criteria provided, single submitter. Criteria: ACMG Guidelines, 2015. Collection method: clinical testing. Allele origin: germline.

NM_033641.4(COL4A6):c.3382C>T (p.Pro1128Ser)

Gene: COL4A6 (collagen type IV alpha 6 chain; minus strand). Cytogenetic location: Xq22.3.
Variant type: single nucleotide variant.
Coding change: c.3382C>T on transcript NM_033641.4 (MANE Select); coding-DNA position 3382, C replaced by T.
Protein change: p.Pro1128Ser; replaces proline 1128 with serine.
Molecular consequence: missense variant.
Genome position (GRCh38, 1-based): chrX:108,170,813, G>A on the plus strand (C>T on the coding strand, the complement: COL4A6 is on the minus strand). VCF-style: chrX-108170813-G-A. GRCh37 (hg19) VCF-style: chrX-107414043-G-A.
Other names: c.3433C>T, p.Pro1145Ser (NM_001287758.2); c.3382C>T, p.Pro1128Ser (NM_001287759.2, NM_001287760.2); c.3385C>T, p.Pro1129Ser (NM_001847.4); short protein forms P1129S, P1145S, P1128S.
Identifiers: ClinVar variation 3693840 (VCV003693840.3).